The following is an entry in ClinVar:

NM_080680.3(COL11A2):c.724C>G (p.His242Asp)

Gene: COL11A2 (collagen type XI alpha 2 chain; minus strand). Cytogenetic location: 6p21.32.
Variant type: single nucleotide variant.
Coding change: c.724C>G on transcript NM_080680.3 (MANE Select); coding-DNA position 724, C replaced by G.
Protein change: p.His242Asp; replaces histidine 242 with aspartic acid.
Molecular consequence: missense variant. On other transcripts: 5 prime UTR variant (3), non-coding transcript variant (1).
Genome position (GRCh38, 1-based): chr6:33,186,701, G>C on the plus strand (C>G on the coding strand, the complement: COL11A2 is on the minus strand). VCF-style: chr6-33186701-G-C. GRCh37 (hg19) VCF-style: chr6-33154478-G-C.
Other names: c.724C>G, p.His242Asp (NM_001163771.2, NM_001424108.1, NM_080679.3 and 1 more transcripts); c.-123C>G (NM_001424109.1, NM_001424110.1, NM_001424111.1); c.724C>G (NM_080680.2); short protein forms H242D.
Identifiers: ClinVar variation 3635264 (VCV003635264.3).

ClinVar aggregate classification (germline): Uncertain significance. Review status: criteria provided, multiple submitters, no conflicts (2 of 4 stars). 2 submissions from 2 submitters: Uncertain significance (2). Last evaluated 2025-08-08.

Conditions:
Inborn genetic diseases. Identifiers: MedGen C0950123, MeSH D030342.

gnomAD v4.1: 1 of 1,613,596 alleles (0.000062%); no homozygotes.

Submissions (2):

Ambry Genetics
Classification: Uncertain significance for Inborn genetic diseases. Last evaluated: 2025-08-08. Review status: criteria provided, single submitter. Criteria: Ambry Variant Classification Scheme 2023. Collection method: clinical testing. Allele origin: germline.

Labcorp Genetics (formerly Invitae), Labcorp
Classification: Uncertain significance. Last evaluated: 2025-01-21. Review status: criteria provided, single submitter. Criteria: Invitae Variant Classification Sherloc (09022015). Collection method: clinical testing. Allele origin: germline.
Comment: This sequence change replaces histidine, which is basic and polar, with aspartic acid, which is acidic and polar, at codon 242 of the COL11A2 protein (p.His242Asp). This variant is not present in population databases (gnomAD no frequency). This variant has not been reported in the literature in individuals affected with COL11A2-related conditions. Invitae Evidence Modeling of protein sequence and biophysical properties (such as structural, functional, and spatial information, amino acid conservation, physicochemical variation, residue mobility, and thermodynamic stability) indicates that this missense variant is not expected to disrupt COL11A2 protein function with a negative predictive value of 95%. In summary, the available evidence is currently insufficient to determine the role of this variant in disease. Therefore, it has been classified as a Variant of Uncertain Significance.